The following is an entry in ClinVar:

NM_001377.3(DYNC2H1):c.195+5G>A

Gene: DYNC2H1 (dynein cytoplasmic 2 heavy chain 1; plus strand). Cytogenetic location: 11q22.3.
Variant type: single nucleotide variant.
Coding change: c.195+5G>A on transcript NM_001377.3 (MANE Select); 5 bases into the intron after coding-DNA position 195, G replaced by A.
Molecular consequence: intron variant.
Genome position (GRCh38, 1-based): chr11:103,109,774, G>A. VCF-style: chr11-103109774-G-A. GRCh37 (hg19) VCF-style: chr11-102980503-G-A.
Other names: c.195+5G>A (NM_001080463.2).
Identifiers: ClinVar variation 528899 (VCV000528899.3), dbSNP rs774148120, ClinGen allele CA6252402.
Genomic context (GRCh38, chr11:103,109,774, plus strand): 5'-ACCAGATGCTCCTCAGGGTGCAGCGATCCGACGCAGGAATCTCCTTTTCCAACACGGTAC[G>A]GTTCCTTGCACTCCTGCCTGACCCCTGACCACTCTTCAAGTCCCCAGGCCCAGCCAGAGG-3'

ClinVar aggregate classification (germline): Uncertain significance (1 of 4 stars; one submission).

Conditions:
Jeune thoracic dystrophy. Also called: Jeune syndrome; Infantile thoracic dystrophy; Thoracic pelvic phalangeal dystrophy; Jeune's syndrome; Chondroectodermal dysplasia-like syndrome; Short-rib thoracic dysplasia. Identifiers: Orphanet 474, MedGen C0265275, MONDO:0018770.

Allele frequency attached by ClinVar (database versions not stated): TOPMed 0.00001; ExAC 0.00002.
gnomAD v4.1: 10 of 1,610,064 alleles (0.00062%); highest among the groups gnomAD compares: Middle Eastern, 0.017%; no homozygotes.

Submissions (2):

Labcorp Genetics (formerly Invitae), Labcorp
Classification: Uncertain significance for Jeune thoracic dystrophy. Last evaluated: 2017-10-06. Review status: criteria provided, single submitter. Criteria: Invitae Variant Classification Sherloc (09022015). Collection method: clinical testing. Allele origin: germline.
Comment: This sequence change falls in intron 1 of the DYNC2H1 gene. It does not directly change the encoded amino acid sequence of the DYNC2H1 protein, but it affects a nucleotide within the consensus splice site of the intron. This variant is present in population databases (rs774148120, ExAC 0.02%). This variant has not been reported in the literature in individuals with DYNC2H1-related disease. Nucleotide substitutions within the consensus splice site are a relatively common cause of aberrant splicing (PMID: 17576681, 9536098). Algorithms developed to predict the effect of sequence changes on RNA splicing suggest that this variant may disrupt the consensus splice site, but this prediction has not been confirmed by published transcriptional studies. In summary, the available evidence is currently insufficient to determine the role of this variant in disease. Therefore, it has been classified as a Variant of Uncertain Significance.

Dr. Peter K. Rogan Lab, Western University
No classification provided (evidence only). Condition: Pancreatic adenocarcinoma. Review status: no classification provided. Collection method: in vitro. Allele origin: not applicable. Functional consequence: retained intron. Not counted in ClinVar's aggregate classification.

Literature cited by the submitters: PubMed 17576681 (cited by Labcorp Genetics (formerly Invitae), Labcorp); PubMed 9536098 (cited by Labcorp Genetics (formerly Invitae), Labcorp).